The following is an entry in ClinVar:

ClinVar aggregate classification (germline): Uncertain significance. Review status: criteria provided, multiple submitters, no conflicts (2 of 4 stars). 2 submissions from 2 submitters: Uncertain significance (2). Last evaluated 2026-03-29.

Conditions:
Cardiovascular phenotype. Identifiers: MedGen CN230736.
Hypertrophic cardiomyopathy. Also called: HYPERTROPHIC MYOCARDIOPATHY. Identifiers: Orphanet 217569, MedGen C0007194, MeSH D002312, MONDO:0005045, HP:0001639.

Allele frequency attached by ClinVar (database versions not stated): gnomAD 0.00001.

Submissions (2):

Ambry Genetics
Classification: Uncertain significance for Cardiovascular phenotype. Last evaluated: 2026-03-29. Review status: criteria provided, single submitter. Criteria: Ambry Variant Classification Scheme 2023. Collection method: clinical testing. Allele origin: germline.
Comment: The p.R79C variant (also known as c.235C>T), located in coding exon 1 of the JPH2 gene, results from a C to T substitution at nucleotide position 235. The arginine at codon 79 is replaced by cysteine, an amino acid with highly dissimilar properties. This amino acid position is conserved. In addition, this alteration is predicted to be tolerated by in silico analysis. Based on the available evidence, the clinical significance of this variant remains unclear.

Labcorp Genetics (formerly Invitae), Labcorp
Classification: Uncertain significance for Hypertrophic cardiomyopathy. Last evaluated: 2025-08-05. Review status: criteria provided, single submitter. Criteria: Invitae Variant Classification Sherloc (09022015). Collection method: clinical testing. Allele origin: germline.
Comment: This sequence change replaces arginine, which is basic and polar, with cysteine, which is neutral and slightly polar, at codon 79 of the JPH2 protein (p.Arg79Cys). This variant is present in population databases (no rsID available, gnomAD 0.006%). This variant has not been reported in the literature in individuals affected with JPH2-related conditions. ClinVar contains an entry for this variant (Variation ID: 1971395). An algorithm developed to predict the effect of missense changes on protein structure and function (PolyPhen-2) suggests that this variant is likely to be disruptive. In summary, the available evidence is currently insufficient to determine the role of this variant in disease. Therefore, it has been classified as a Variant of Uncertain Significance.

NM_020433.5(JPH2):c.235C>T (p.Arg79Cys)

Gene: JPH2 (junctophilin 2; minus strand). Cytogenetic location: 20q13.12.
Variant type: single nucleotide variant.
Coding change: c.235C>T on transcript NM_020433.5 (MANE Select); coding-DNA position 235, C replaced by T.
Protein change: p.Arg79Cys; replaces arginine 79 with cysteine.
Molecular consequence: missense variant.
Genome position (GRCh38, 1-based): chr20:44,186,471, G>A on the plus strand (C>T on the coding strand, the complement: JPH2 is on the minus strand). VCF-style: chr20-44186471-G-A. GRCh37 (hg19) VCF-style: chr20-42815111-G-A.
Other names: c.235C>T, p.Arg79Cys (NM_175913.4); short protein forms R79C.
Identifiers: ClinVar variation 1971395 (VCV001971395.6), dbSNP rs753220253, ClinGen allele CA409095238.